The following is an entry in ClinVar:

ClinVar aggregate classification (germline): Likely benign (1 of 4 stars; one submission).

gnomAD v4.1: 32 of 1,552,516 alleles (0.0021%); highest among the groups gnomAD compares: South Asian, 0.0036%; no homozygotes.

Submission:

Mayo Clinic Laboratories, Mayo Clinic
Classification: Likely benign. Last evaluated: 2025-02-07. Review status: criteria provided, single submitter. Criteria: ACMG Guidelines, 2015. Collection method: clinical testing. Allele origin: germline. Observed: 1 variant allele.
Comment: BP4, BP7

NM_001080421.3(UNC13A):c.1059C>T (p.Asp353=)

Gene: UNC13A (unc-13 homolog A; minus strand). Cytogenetic location: 19p13.11.
Variant type: single nucleotide variant.
Coding change: c.1059C>T on transcript NM_001080421.3 (MANE Select); coding-DNA position 1059, C replaced by T.
Protein change: p.Asp353=; no amino-acid change (aspartic acid 353 retained).
Molecular consequence: synonymous variant.
Genome position (GRCh38, 1-based): chr19:17,656,107, G>A on the plus strand (C>T on the coding strand, the complement: UNC13A is on the minus strand). VCF-style: chr19-17656107-G-A. GRCh37 (hg19) VCF-style: chr19-17766916-G-A.
Other names: p.Asp353=; c.1059C>T, p.Asp353= (NM_001387021.1, NM_001387022.1, NM_001387023.1).
Identifiers: ClinVar variation 4684361 (VCV004684361.1).
Genomic context (GRCh38, chr19:17,656,107, plus strand): 5'-TTTGAAGTCTTTGGGCTCAGCCACAGCTACGTCTTCACGCTGGGCATAGCTGCCCAAATC[G>A]TCAGGCACCTCCTCCTCCTCCTCCTCCAGCTCCTCCTCATCTTCAGGCAGCTCCTCCTCC-3'
Protein context (NP_001073890.2, residues 343-363): ELEEEEEEVP[Asp353=]DLGSYAQRED